The following is an entry in ClinVar:

NM_206933.4(USH2A):c.10064C>T (p.Pro3355Leu)

Gene: USH2A (usherin; minus strand). Cytogenetic location: 1q41.
Variant type: single nucleotide variant.
Coding change: c.10064C>T on transcript NM_206933.4 (MANE Select); coding-DNA position 10064, C replaced by T.
Protein change: p.Pro3355Leu; replaces proline 3355 with leucine.
Molecular consequence: missense variant.
Genome position (GRCh38, 1-based): chr1:215,790,177, G>A on the plus strand (C>T on the coding strand, the complement: USH2A is on the minus strand). VCF-style: chr1-215790177-G-A. GRCh37 (hg19) VCF-style: chr1-215963519-G-A.
Other names: short protein forms P3355L.
Identifiers: ClinVar variation 843653 (VCV000843653.5), dbSNP rs1253788950, ClinGen allele CA344844088.

ClinVar aggregate classification (germline): Uncertain significance. Review status: criteria provided, multiple submitters, no conflicts (2 of 4 stars). 4 submissions from 3 submitters: Uncertain significance (4). Last evaluated 2023-11-04.

Conditions:
Retinitis pigmentosa 39 (RP39). Identifiers: Orphanet 791, MedGen C3151138, MONDO:0013436, OMIM 613809.
Usher syndrome type 2A. Also called: RETINAL DISEASE IN USHER SYNDROME TYPE IIA, MODIFIER OF; USHER SYNDROME, TYPE IIA. Identifiers: Orphanet 231178, Orphanet 886, MedGen C1848634, MONDO:0010169, OMIM 276901.

Allele frequency attached by ClinVar (database versions not stated): gnomAD exomes 0.00001; TOPMed 0.00001.
gnomAD v4.1: 16 of 1,613,972 alleles (0.00099%); highest among the groups gnomAD compares: Admixed American, 0.0033%; no homozygotes.

Submissions (4):

Genome-Nilou Lab
Classification: Uncertain significance for Retinitis pigmentosa 39. Last evaluated: 2023-11-04. Review status: criteria provided, single submitter. Criteria: ACMG Guidelines, 2015. Collection method: clinical testing. Allele origin: germline. Affected: no.

Genome-Nilou Lab
Classification: Uncertain significance for Usher syndrome type 2A. Last evaluated: 2023-11-04. Review status: criteria provided, single submitter. Criteria: ACMG Guidelines, 2015. Collection method: clinical testing. Allele origin: germline. Affected: no.

GeneDx
Classification: Uncertain significance. Last evaluated: 2022-11-08. Review status: criteria provided, single submitter. Criteria: GeneDx Variant Classification Process June 2021. Collection method: clinical testing. Allele origin: germline. Affected: yes.
Comment: Not observed at significant frequency in large population cohorts (gnomAD); In silico analysis supports that this missense variant has a deleterious effect on protein structure/function; Has not been previously published as pathogenic or benign to our knowledge

Labcorp Genetics (formerly Invitae), Labcorp
Classification: Uncertain significance. Last evaluated: 2021-08-31. Review status: criteria provided, single submitter. Criteria: Invitae Variant Classification Sherloc (09022015). Collection method: clinical testing. Allele origin: germline.
Comment: This sequence change replaces proline with leucine at codon 3355 of the USH2A protein (p.Pro3355Leu). The proline residue is highly conserved and there is a moderate physicochemical difference between proline and leucine. This variant is not present in population databases (ExAC no frequency). This variant has not been reported in the literature in individuals affected with USH2A-related conditions. Algorithms developed to predict the effect of missense changes on protein structure and function are either unavailable or do not agree on the potential impact of this missense change (SIFT: "Tolerated"; PolyPhen-2: "Possibly Damaging"; Align-GVGD: "Class C0"). In summary, the available evidence is currently insufficient to determine the role of this variant in disease. Therefore, it has been classified as a Variant of Uncertain Significance.